The following is an entry in ClinVar:

NM_001170629.2(CHD8):c.7054C>T (p.Arg2352Ter)

Genes: CHD8 (chromodomain helicase DNA binding protein 8; minus strand), LOC126861888 (CDK7 strongly-dependent group 2 enhancer GRCh37_chr14:21859227-21860426; plus strand). Cytogenetic location: 14q11.2.
Variant type: single nucleotide variant.
Coding change: c.7054C>T on transcript NM_001170629.2 (MANE Select); coding-DNA position 7054, C replaced by T.
Protein change: p.Arg2352Ter; replaces arginine 2352 with a stop codon.
Molecular consequence: nonsense.
Genome position (GRCh38, 1-based): chr14:21,391,474, G>A on the plus strand (C>T on the coding strand, the complement: CHD8 is on the minus strand). VCF-style: chr14-21391474-G-A. GRCh37 (hg19) VCF-style: chr14-21859633-G-A.
Other names: c.6217C>T, p.Arg2073Ter (NM_020920.4); short protein forms R2073*, R2352*.
Identifiers: ClinVar variation 3256790 (VCV003256790.2).
Genomic context (GRCh38, chr14:21,391,474, plus strand): 5'-AATACCAAAGGAATGACTTTAAATCTTGCTGGATGGGACTGCCACTCACCGCTAGAAATC[G>A]GGGATCAACAGCAAACTCTGGATGACCCTGTAACCACATCTCCAGTTCAGCCCGGCGAGG-3'

ClinVar aggregate classification (germline): Pathogenic. Review status: criteria provided, single submitter (1 of 4 stars). 2 submissions from 2 submitters: Pathogenic (1). 1 of the submissions does not count toward it. Last evaluated 2025-10-10.

Conditions:
Intellectual developmental disorder with autism and macrocephaly. Also called: Autism, susceptibility to, 18; CHD8-Related Neurodevelopmental Disorder with Overgrowth. Identifiers: Orphanet 642675, MedGen C3554373, MONDO:0014017, OMIM 615032.

gnomAD v4.1: 2 of 1,613,666 alleles (0.00012%); highest among the groups gnomAD compares: South Asian, 0.0022%; no homozygotes.

Submissions (2):

Labcorp Genetics (formerly Invitae), Labcorp
Classification: Pathogenic. Last evaluated: 2025-10-10. Review status: criteria provided, single submitter. Criteria: Invitae Variant Classification Sherloc (09022015). Collection method: clinical testing. Allele origin: germline.
Comment: This sequence change creates a premature translational stop signal (p.Arg2352*) in the CHD8 gene. It is expected to result in an absent or disrupted protein product. Loss-of-function variants in CHD8 are known to be pathogenic (PMID: 24998929, 26789910). This variant is present in population databases (rs756631600, gnomAD 0.004%). This premature translational stop signal has been observed in individual(s) with autism (PMID: 36182950). ClinVar contains an entry for this variant (Variation ID: 3256790). For these reasons, this variant has been classified as Pathogenic.

Solve-RD Consortium
Classification: Likely pathogenic for Intellectual developmental disorder with autism and macrocephaly. Last evaluated: 2022-06-01. Review status: no assertion criteria provided. Collection method: provider interpretation. Allele origin: inherited. Affected: yes. Not counted in ClinVar's aggregate classification.
Comment: Variant confirmed as disease-causing by referring clinical team

Variant identified during reanalysis of unsolved cases by the Solve-RD project. The Solve-RD project has received funding from the European Union’s Horizon 2020 research and innovation programme under grant agreement No 779257.

Literature cited by the submitters: PubMed 24998929 (cited by Labcorp Genetics (formerly Invitae), Labcorp); PubMed 26789910 (cited by Labcorp Genetics (formerly Invitae), Labcorp); PubMed 36182950 (cited by Labcorp Genetics (formerly Invitae), Labcorp); PubMed 39825153 (cited by Solve-RD Consortium).